The following is an entry in ClinVar:

ClinVar aggregate classification (germline): Conflicting classifications of pathogenicity. Review status: criteria provided, conflicting classifications (1 of 4 stars). 2 submissions from 2 submitters: Uncertain significance (1); Likely benign (1). Last evaluated 2023-09-05.

Conditions:
Intellectual disability, autosomal dominant 14 (CSS2). Also called: COFFIN-SIRIS SYNDROME 2. Identifiers: Orphanet 1465, MedGen C3553247, MONDO:0013819, OMIM 614607.

Allele frequency attached by ClinVar (database versions not stated): ExAC 0.00001; gnomAD 0.00001; gnomAD exomes 0.00002.
gnomAD v4.1: 6 of 1,613,718 alleles (0.00037%); highest among the groups gnomAD compares: Admixed American, 0.0083%; no homozygotes.

Submissions (2):

Labcorp Genetics (formerly Invitae), Labcorp
Classification: Likely benign. Last evaluated: 2023-09-05. Review status: criteria provided, single submitter. Criteria: Invitae Variant Classification Sherloc (09022015). Collection method: clinical testing. Allele origin: germline.

Baylor Genetics
Classification: Uncertain significance for Intellectual disability, autosomal dominant 14. Last evaluated: 2018-09-19. Review status: criteria provided, single submitter. Criteria: ACMG Guidelines, 2015. Collection method: clinical testing. Allele origin: unknown. Affected: yes.
Comment: This variant was determined to be of uncertain significance according to ACMG Guidelines, 2015 [PMID:25741868].

NM_006015.6(ARID1A):c.1430A>G (p.His477Arg)

Gene: ARID1A (AT-rich interaction domain 1A; plus strand). Cytogenetic location: 1p36.11.
Variant type: single nucleotide variant.
Coding change: c.1430A>G on transcript NM_006015.6 (MANE Select); coding-DNA position 1430, A replaced by G.
Protein change: p.His477Arg; replaces histidine 477 with arginine.
Molecular consequence: missense variant.
Genome position (GRCh38, 1-based): chr1:26,731,231, A>G. VCF-style: chr1-26731231-A-G. GRCh37 (hg19) VCF-style: chr1-27057722-A-G.
Other names: c.1430A>G, p.His477Arg (NM_139135.4); short protein forms H477R.
Identifiers: ClinVar variation 1031594 (VCV001031594.5), dbSNP rs757458581, ClinGen allele CA706782.
Genomic context (GRCh38, chr1:26,731,231, plus strand): 5'-AAGGCCCCAGCGGGTATGGTCAACAGGGCCAGACTCCATATTACAACCAGCAAAGTCCTC[A>G]CCCTCAGCAGCAGCAGCCACCCTACTCCCAGCAACCACCGTCCCAGACCCCTCATGCCCA-3'
Protein context (NP_006006.3, residues 467-487): QTPYYNQQSP[His477Arg]PQQQQPPYSQ